The following is an entry in ClinVar:

NM_000487.6(ARSA):c.1258A>C (p.Ser420Arg)

Gene: ARSA (arylsulfatase A; minus strand). Cytogenetic location: 22q13.33.
Variant type: single nucleotide variant.
Coding change: c.1258A>C on transcript NM_000487.6 (MANE Select); coding-DNA position 1258, A replaced by C.
Protein change: p.Ser420Arg; replaces serine 420 with arginine.
Molecular consequence: missense variant.
Genome position (GRCh38, 1-based): chr22:50,625,417, T>G on the plus strand (A>C on the coding strand, the complement: ARSA is on the minus strand). VCF-style: chr22-50625417-T-G. GRCh37 (hg19) VCF-style: chr22-51063845-T-G.
Other names: c.1258A>C, p.Ser420Arg (NM_001085425.3, NM_001085426.3, NM_001085427.3); c.1000A>C, p.Ser334Arg (NM_001085428.3, NM_001362782.2); short protein forms S420R, S334R.
Identifiers: ClinVar variation 342234 (VCV000342234.8), dbSNP rs139073195, ClinGen allele CA10324759.

ClinVar aggregate classification (germline): Uncertain significance. Review status: criteria provided, multiple submitters, no conflicts (2 of 4 stars). 2 submissions from 2 submitters: Uncertain significance (2). Last evaluated 2022-09-27.

Conditions:
Metachromatic leukodystrophy (MLD). Also called: ARSA DEFICIENCY; CEREBROSIDE SULFATASE DEFICIENCY; METACHROMATIC LEUKOENCEPHALOPATHY; SULFATIDE LIPIDOSIS; Cerebral sclerosis diffuse metachromatic form; Arylsulfatase A Deficiency. Identifiers: Orphanet 512, MedGen C0023522, MONDO:0018868, OMIM 250100.

Allele frequency attached by ClinVar (database versions not stated): gnomAD exomes 0.00003; ExAC 0.00004; gnomAD 0.00011 and 0.00012; TOPMed 0.00011; ESP Exome Variant Server 0.00023.
gnomAD v4.1: 31 of 1,596,210 alleles (0.0019%); highest among the groups gnomAD compares: African/African-American, 0.04%; no homozygotes.

Submissions (2):

Labcorp Genetics (formerly Invitae), Labcorp
Classification: Uncertain significance for Metachromatic leukodystrophy. Last evaluated: 2022-09-27. Review status: criteria provided, single submitter. Criteria: Invitae Variant Classification Sherloc (09022015). Collection method: clinical testing. Allele origin: germline.
Comment: This sequence change replaces serine, which is neutral and polar, with arginine, which is basic and polar, at codon 420 of the ARSA protein (p.Ser420Arg). This variant is present in population databases (rs139073195, gnomAD 0.04%). This variant has not been reported in the literature in individuals affected with ARSA-related conditions. ClinVar contains an entry for this variant (Variation ID: 342234). Advanced modeling of protein sequence and biophysical properties (such as structural, functional, and spatial information, amino acid conservation, physicochemical variation, residue mobility, and thermodynamic stability) performed at Invitae indicates that this missense variant is not expected to disrupt ARSA protein function. In summary, the available evidence is currently insufficient to determine the role of this variant in disease. Therefore, it has been classified as a Variant of Uncertain Significance.

Illumina Laboratory Services, Illumina
Classification: Uncertain significance for Metachromatic leukodystrophy. Last evaluated: 2018-01-13. Review status: criteria provided, single submitter. Criteria: ICSL Variant Classification Criteria 13 December 2019. Collection method: clinical testing. Allele origin: germline.